The following is an entry in ClinVar:

NM_022124.6(CDH23):c.2929T>C (p.Ser977Pro)

Gene: CDH23 (cadherin related 23; plus strand). Cytogenetic location: 10q22.1.
Variant type: single nucleotide variant.
Coding change: c.2929T>C on transcript NM_022124.6 (MANE Select); coding-DNA position 2929, T replaced by C.
Protein change: p.Ser977Pro; replaces serine 977 with proline.
Molecular consequence: missense variant.
Genome position (GRCh38, 1-based): chr10:71,705,106, T>C. VCF-style: chr10-71705106-T-C. GRCh37 (hg19) VCF-style: chr10-73464863-T-C.
Other names: p.Ser977Pro; c.2929T>C, p.Ser977Pro (NM_001171930.2, NM_001171931.2); short protein forms S977P.
Identifiers: ClinVar variation 938731 (VCV000938731.12), dbSNP rs1865733199, ClinGen allele CA377140000.
Genomic context (GRCh38, chr10:71,705,106, plus strand): 5'-CGCATCGCGGAGTACCAGCTGCGGGTGGTGGCCAGTGATGCAGGCACGCCCACCAAGAGC[T>C]CCACCAGCACGCTCACCATCCATGGTGAGGGGGCGCAGGGGCTTCTGCTGTGTGCTCAGT-3'
Protein context (NP_071407.4, residues 967-987): ASDAGTPTKS[Ser977Pro]TSTLTIHVLD

ClinVar aggregate classification (germline): Uncertain significance. Review status: criteria provided, multiple submitters, no conflicts (2 of 4 stars). 4 submissions from 4 submitters: Uncertain significance (3). 1 of the submissions does not count toward it. Last evaluated 2025-03-26.

Conditions:
Usher syndrome type 1 (USH1). Also called: RETINITIS PIGMENTOSA AND CONGENITAL DEAFNESS. Identifiers: Orphanet 231169, Orphanet 886, MedGen C1568247, MONDO:0010168, OMIM 276900.

Allele frequency attached by ClinVar (database versions not stated): TOPMed below 0.00001.

Submissions (4):

Mayo Clinic Laboratories, Mayo Clinic
Classification: Uncertain significance. Last evaluated: 2025-03-26. Review status: criteria provided, single submitter. Criteria: ACMG Guidelines, 2015. Collection method: clinical testing. Allele origin: germline. Observed: 1 variant allele.
Comment: PM2_moderate

Labcorp Genetics (formerly Invitae), Labcorp
Classification: Uncertain significance. Last evaluated: 2019-09-26. Review status: criteria provided, single submitter. Criteria: Invitae Variant Classification Sherloc (09022015). Collection method: clinical testing. Allele origin: germline.
Comment: This sequence change replaces serine with proline at codon 977 of the CDH23 protein (p.Ser977Pro). The serine residue is highly conserved and there is a moderate physicochemical difference between serine and proline. In summary, the available evidence is currently insufficient to determine the role of this variant in disease. Therefore, it has been classified as a Variant of Uncertain Significance. Algorithms developed to predict the effect of missense changes on protein structure and function are either unavailable or do not agree on the potential impact of this missense change (SIFT: "Deleterious"; PolyPhen-2: "Not Available"; Align-GVGD: "Class C65"). This variant has not been reported in the literature in individuals with CDH23-related conditions. This variant is not present in population databases (ExAC no frequency).

Blueprint Genetics
Classification: Uncertain significance. Last evaluated: 2018-06-12. Review status: criteria provided, single submitter. Criteria: ACMG Guidelines, 2015. Collection method: clinical testing. Allele origin: germline.

Natera, Inc.
Classification: Uncertain significance for Usher syndrome type 1. Last evaluated: 2020-06-19. Review status: no assertion criteria provided. Collection method: clinical testing. Allele origin: germline. Not counted in ClinVar's aggregate classification.